The following is an entry in ClinVar:

ClinVar aggregate classification (germline): Uncertain significance (1 of 4 stars; one submission).

Conditions:
Emery-Dreifuss muscular dystrophy 4, autosomal dominant (EDMD4). Also called: EMERY-DREIFUSS MUSCULAR DYSTROPHY 4 WITH VARIABLE FEATURES. Identifiers: Orphanet 261, MedGen C2751807, MONDO:0013071, OMIM 612998.
Autosomal recessive ataxia, Beauce type. Also called: Spinocerebellar ataxia, autosomal recessive 8; ATAXIA, RECESSIVE, OF BEAUCE; SYNE1 Deficiency; SYNE1-Related Autosomal Recessive Cerebellar Ataxia. Identifiers: Orphanet 88644, MedGen C1853116, MONDO:0012549, OMIM 610743.

gnomAD v4.1: 1 of 1,613,732 alleles (0.000062%); highest among the groups gnomAD compares: Non-Finnish European, 0.000085%; no homozygotes.

Submission:

Labcorp Genetics (formerly Invitae), Labcorp
Classification: Uncertain significance for Emery-Dreifuss muscular dystrophy 4, autosomal dominant; Autosomal recessive ataxia, Beauce type. Last evaluated: 2025-03-04. Review status: criteria provided, single submitter. Criteria: Invitae Variant Classification Sherloc (09022015). Collection method: clinical testing. Allele origin: germline.
Comment: This sequence change replaces aspartic acid, which is acidic and polar, with glutamic acid, which is acidic and polar, at codon 8146 of the SYNE1 protein (p.Asp8146Glu). This variant is not present in population databases (gnomAD no frequency). This variant has not been reported in the literature in individuals affected with SYNE1-related conditions. An algorithm developed to predict the effect of missense changes on protein structure and function outputs the following: PolyPhen-2: "Benign". The glutamic acid amino acid residue is found in multiple mammalian species, which suggests that this missense change does not adversely affect protein function. In summary, the available evidence is currently insufficient to determine the role of this variant in disease. Therefore, it has been classified as a Variant of Uncertain Significance.

NM_182961.4(SYNE1):c.24651C>A (p.Asp8217Glu)

Gene: SYNE1 (spectrin repeat containing nuclear envelope protein 1; minus strand). Cytogenetic location: 6q25.2.
Variant type: single nucleotide variant.
Coding change: c.24651C>A on transcript NM_182961.4 (MANE Select); coding-DNA position 24651, C replaced by A.
Protein change: p.Asp8217Glu; replaces aspartic acid 8217 with glutamic acid.
Molecular consequence: missense variant.
Genome position (GRCh38, 1-based): chr6:152,148,370, G>T on the plus strand (C>A on the coding strand, the complement: SYNE1 is on the minus strand). VCF-style: chr6-152148370-G-T. GRCh37 (hg19) VCF-style: chr6-152469505-G-T.
Other names: c.1257C>A, p.Asp419Glu (NM_001347701.2); c.1116C>A, p.Asp372Glu (NM_001347702.2); c.24438C>A, p.Asp8146Glu (NM_033071.5); short protein forms D372E, D8146E, D8217E, D419E.
Identifiers: ClinVar variation 4794824 (VCV004794824.1).